The following is an entry in ClinVar:

NM_032888.4(COL27A1):c.4560_4561del (p.Glu1521fs)

Gene: COL27A1 (collagen type XXVII alpha 1 chain; plus strand). Cytogenetic location: 9q32.
Variant type: Deletion.
Coding change: c.4560_4561del on transcript NM_032888.4 (MANE Select); coding-DNA positions 4560 to 4561, 2 bases deleted (GG; older notation c.4560_4561delGG).
Protein change: p.Glu1521fs; shifts the reading frame from glutamic acid 1521.
Molecular consequence: frameshift variant.
Genome position (GRCh38, 1-based): chr9:114,292,186-114,292,187, GG deleted; deleting any 2 consecutive bases within chr9:114,292,183-114,292,187 gives the same sequence; the c. name uses the placement nearest the transcript's 3' end. VCF-style (leftmost placement, unchanged base first): chr9-114292182-AGG-A. GRCh37 (hg19) VCF-style: chr9-117054462-AGG-A.
Other names: short protein forms E1521fs.
Identifiers: ClinVar variation 2014538 (VCV002014538.4), dbSNP rs1564578862, ClinGen allele CA2580079475.

ClinVar aggregate classification (germline): Pathogenic (1 of 4 stars; one submission).

Submission:

Labcorp Genetics (formerly Invitae), Labcorp
Classification: Pathogenic. Last evaluated: 2022-07-11. Review status: criteria provided, single submitter. Criteria: Invitae Variant Classification Sherloc (09022015). Collection method: clinical testing. Allele origin: germline.
Comment: For these reasons, this variant has been classified as Pathogenic. This variant has not been reported in the literature in individuals affected with COL27A1-related conditions. This variant is not present in population databases (gnomAD no frequency). This sequence change creates a premature translational stop signal (p.Glu1521Alafs*69) in the COL27A1 gene. It is expected to result in an absent or disrupted protein product. Loss-of-function variants in COL27A1 are known to be pathogenic (PMID: 24986830, 28276056).

Literature cited by the submitters: PubMed 24986830; PubMed 28276056.